The following is an entry in ClinVar:

ClinVar aggregate classification (germline): Likely benign (1 of 4 stars; one submission).

Submission:

CeGaT Center for Human Genetics Tuebingen
Classification: Likely benign. Last evaluated: 2024-10-01. Review status: criteria provided, single submitter. Criteria: CeGaT Center For Human Genetics Tuebingen Variant Classification Criteria Version 2. Collection method: clinical testing. Allele origin: germline. Affected: yes. Observed: 2 variant alleles.
Comment: CATSPER3: PM2:Supporting, BP4, BP7

NM_178019.3(CATSPER3):c.30G>C (p.Ser10=)

Gene: CATSPER3 (cation channel sperm associated 3; plus strand). Cytogenetic location: 5q31.1.
Variant type: single nucleotide variant.
Coding change: c.30G>C on transcript NM_178019.3 (MANE Select); coding-DNA position 30, G replaced by C.
Protein change: p.Ser10=; no amino-acid change (serine 10 retained).
Molecular consequence: synonymous variant.
Genome position (GRCh38, 1-based): chr5:134,968,021, G>C. VCF-style: chr5-134968021-G-C. GRCh37 (hg19) VCF-style: chr5-134303711-G-C.
Identifiers: ClinVar variation 3389954 (VCV003389954.14).